The following continues an entry in ClinVar:

NM_000540.3(RYR1):c.6838G>A (p.Val2280Ile)

Gene: RYR1. ClinVar aggregate classification (germline): Likely pathogenic. Likely pathogenic (1).

Submissions 19 to 23 of 23:

Women's Health and Genetics/Laboratory Corporation of America, LabCorp
Classification: Likely pathogenic for Malignant hyperthermia of anesthesia. Last evaluated: 2023-07-25. Review status: criteria provided, single submitter. Criteria: LabCorp Variant Classification Summary - May 2015. Collection method: clinical testing. Allele origin: germline. Not counted in ClinVar's aggregate classification.
Comment: Variant summary: RYR1 c.6838G>A (p.Val2280Ile) results in a conservative amino acid change located in the RIH domain (IPR000699) of the encoded protein sequence. Four of five in-silico tools predict a damaging effect of the variant on protein function. The variant allele was found at a frequency of 2.4e-05 in 250004 control chromosomes. c.6838G>A has been reported in the literature in multiple individuals affected with Malignant Hyperthermia Susceptibility supported by a diagnostic in vitro contracture test (IVCT) or caffeine halothane contracture test (CHCT) result (example, Galli_2002, Scalco_2016, Oberg_2016, Knulman_2019, Hudig_2019, Sadhasivam_2019, White_2022). Of these, in one report of families with this variant, eight transmissions of the variant allele and 2 transmissions of the reference allele to affected Malignant Hyperthermia Susceptible individuals was reported (White_2022). This study included this variant among RYR-1 disease causing variants for diagnostic use managed by the European Malignant Hyperthermia Group. These data indicate that the variant is very likely to be associated with disease. One publication reports experimental evidence evaluating an impact on protein function, demonstrating hypersensitivity to an RyR1 agonist in calcium release assays (White_2022). Eight submitters have cited clinical-significance assessments for this variant to ClinVar after 2014. Multiple submitters to include the ClinGen Malignant Hyperthermia Susceptibility Variant Curation Expert Panel, reported the variant with conflicting assessments (VUS, n=6; LP, n=2). Based on the evidence outlined above, the variant was classified as likely pathogenic.

Athena Diagnostics
Classification: Uncertain significance. Last evaluated: 2021-09-03. Review status: criteria provided, single submitter. Criteria: Athena Diagnostics Criteria. Collection method: clinical testing. Allele origin: unknown. Not counted in ClinVar's aggregate classification.

Genetic Services Laboratory, University of Chicago
Classification: Uncertain significance. Last evaluated: 2017-02-02. Review status: criteria provided, single submitter. Criteria: ACMG Guidelines, 2015. Collection method: clinical testing. Allele origin: germline. Affected: no. Not counted in ClinVar's aggregate classification.

Division of Human Genetics, Children's Hospital of Philadelphia
Classification: Likely pathogenic for Malignant hyperthermia susceptibility 1. Last evaluated: 2014-07-17. Review status: no assertion criteria provided. Collection method: research. Allele origin: germline. Study: CSER-PediSeq. Not counted in ClinVar's aggregate classification.
Comment: This test identified one heterozygous variant (c.6838G>A;p.Val2280Ile) in the RYR1 gene (see Table IIIA). Variants in this gene have been associated with increased risk of malignant hyperthermia (autosomal dominant) and different types of congenital myopathies - central core disease (autosomal dominant or autosomal recessive), multiminicore disease (autosomal recessive), congenital fiber type disproportion (autosomal dominant or autosomal recessive). The RYR1 gene encodes for calcium channels that play a critical role in the movement of skeletal muscles. Risk for malignant hyperthermia is predominantly associated with the use of general anesthesia with specific anesthetics, which can trigger an episode (hypermetabolism, rhabdomyolysis, hyperkalaemia, cardiac arrhythmia). A very small number of individuals with malignant hyperthermia susceptibility appear to be at risk for heat stroke or exercise-induced rhabdomyolysis,). Malignant hyperthermia has been reported to occur in individuals without anesthetic exposure. If an episode is untreated, it can be life threatening. Alternative anesthetic treatments are available for known individuals susceptible to malignant hyperthermia. This variant has been reported in a family susceptible to malignant hyperthermia based on biochemical testing (Galli et al 2002,PMID: 12208234; Galli et al. 2006, PMID: 16835904), and computational evidence is also suggestive of this variant being a pathogenic variant.

RYR1 database
No classification provided. Review status: no classification provided. Collection method: not provided. Allele origin: unknown. Not counted in ClinVar's aggregate classification.

Literature cited by the submitters: PubMed 12208234 (cited by 6 submitters); PubMed 16835904 (cited by 5 submitters); PubMed 27900193 (cited by Ambry Genetics); PubMed 30864471 (cited by 5 submitters); PubMed 36208971 (cited by 7 submitters); PubMed 30236257 (cited by 5 submitters); PubMed 30788618 (cited by 3 submitters); PubMed 31559918 (cited by 3 submitters); PubMed 21118704 (cited by 3 submitters); PubMed 22418739 (cited by Women's Health and Genetics/Laboratory Corporation of America, LabCorp); PubMed 28007021 (cited by Women's Health and Genetics/Laboratory Corporation of America, LabCorp); PubMed 27431030 (cited by Women's Health and Genetics/Laboratory Corporation of America, LabCorp and Athena Diagnostics).